The following is an entry in ClinVar:

NM_152443.3(RDH12):c.98del (p.Thr33fs)

Genes: RDH12 (retinol dehydrogenase 12; plus strand), GPHN (gephyrin; plus strand). Cytogenetic location: 14q24.1.
Variant type: Deletion.
Coding change: c.98del on transcript NM_152443.3 (MANE Select); coding-DNA position 98, one base deleted (C; older notation c.98delC).
Protein change: p.Thr33fs; shifts the reading frame from threonine 33.
Molecular consequence: frameshift variant.
Genome position (GRCh38, 1-based): chr14:67,724,502, C deleted. VCF-style (leftmost placement, unchanged base first): chr14-67724501-AC-A. GRCh37 (hg19) VCF-style: chr14-68191218-AC-A.
Other names: short protein forms T33fs.
Identifiers: ClinVar variation 2743303 (VCV002743303.3), dbSNP rs2503792540, ClinGen allele CA2697553984.

ClinVar aggregate classification (germline): Pathogenic (1 of 4 stars; one submission).

Conditions:
Leber congenital amaurosis 13 (LCA13). Identifiers: MedGen C2675186, MONDO:0012990, OMIM 612712.

Submission:

Labcorp Genetics (formerly Invitae), Labcorp
Classification: Pathogenic for Leber congenital amaurosis 13. Last evaluated: 2023-07-14. Review status: criteria provided, single submitter. Criteria: Invitae Variant Classification Sherloc (09022015). Collection method: clinical testing. Allele origin: germline.
Comment: For these reasons, this variant has been classified as Pathogenic. This variant has not been reported in the literature in individuals affected with RDH12-related conditions. This variant is not present in population databases (gnomAD no frequency). This sequence change creates a premature translational stop signal (p.Thr33Lysfs*9) in the RDH12 gene. It is expected to result in an absent or disrupted protein product. Loss-of-function variants in RDH12 are known to be pathogenic (PMID: 17964524, 22065924, 32014858, 34001834).

Literature cited by the submitters: PubMed 17964524; PubMed 22065924; PubMed 32014858; PubMed 34001834.